The following is an entry in ClinVar:

NM_004360.5(CDH1):c.2035A>T (p.Thr679Ser)

Gene: CDH1 (cadherin 1; plus strand). Cytogenetic location: 16q22.1.
Variant type: single nucleotide variant.
Coding change: c.2035A>T on transcript NM_004360.5 (MANE Select); coding-DNA position 2035, A replaced by T.
Protein change: p.Thr679Ser; replaces threonine 679 with serine.
Molecular consequence: missense variant.
Genome position (GRCh38, 1-based): chr16:68,823,497, A>T. VCF-style: chr16-68823497-A-T. GRCh37 (hg19) VCF-style: chr16-68857400-A-T.
Other names: c.1852A>T, p.Thr618Ser (NM_001317184.2); c.487A>T, p.Thr163Ser (NM_001317185.2); c.70A>T, p.Thr24Ser (NM_001317186.2); short protein forms T24S, T679S, T163S, T618S.
Identifiers: ClinVar variation 3265141 (VCV003265141.1).

ClinVar aggregate classification (germline): Uncertain significance (1 of 4 stars; one submission).

Conditions:
Hereditary cancer-predisposing syndrome. Also called: Hereditary Cancer Syndrome; Tumor predisposition; Hereditary neoplastic syndrome; Neoplastic Syndromes, Hereditary. Identifiers: Orphanet 140162, MedGen C0027672, MeSH D009386, MONDO:0015356.

Submission:

Ambry Genetics
Classification: Uncertain significance for Hereditary cancer-predisposing syndrome. Last evaluated: 2024-05-03. Review status: criteria provided, single submitter. Criteria: Ambry Variant Classification Scheme 2023. Collection method: clinical testing. Allele origin: germline.
Comment: The p.T679S variant (also known as c.2035A>T), located in coding exon 13 of the CDH1 gene, results from an A to T substitution at nucleotide position 2035. The threonine at codon 679 is replaced by serine, an amino acid with similar properties. This amino acid position is conserved. In addition, this alteration is predicted to be tolerated by in silico analysis. Based on the available evidence, the clinical significance of this variant remains unclear.